The following is an entry in ClinVar:

NM_001089.3(ABCA3):c.166A>G (p.Ile56Val)

Gene: ABCA3 (ATP binding cassette subfamily A member 3; minus strand). Cytogenetic location: 16p13.3.
Variant type: single nucleotide variant.
Coding change: c.166A>G on transcript NM_001089.3 (MANE Select); coding-DNA position 166, A replaced by G.
Protein change: p.Ile56Val; replaces isoleucine 56 with valine.
Molecular consequence: missense variant.
Genome position (GRCh38, 1-based): chr16:2,326,163, T>C on the plus strand (A>G on the coding strand, the complement: ABCA3 is on the minus strand). VCF-style: chr16-2326163-T-C. GRCh37 (hg19) VCF-style: chr16-2376164-T-C.
Other names: short protein forms I56V.
Identifiers: ClinVar variation 4264858 (VCV004264858.2).

ClinVar aggregate classification (germline): Conflicting classifications of pathogenicity. Review status: criteria provided, conflicting classifications (1 of 4 stars). 2 submissions from 2 submitters: Uncertain significance (1); Likely benign (1). Last evaluated 2025-08-26.

Conditions:
Hereditary pulmonary alveolar proteinosis. Also called: Pulmonary surfactant metabolism dysfunction. Identifiers: Orphanet 264675, MedGen C3711368, MONDO:0012580.

gnomAD v4.1: 7 of 1,614,158 alleles (0.00043%); highest among the groups gnomAD compares: Non-Finnish European, 0.00059%; no homozygotes.

Submissions (2):

Ambry Genetics
Classification: Likely benign for Hereditary pulmonary alveolar proteinosis. Last evaluated: 2025-08-26. Review status: criteria provided, single submitter. Criteria: Ambry Variant Classification Scheme 2023. Collection method: clinical testing. Allele origin: germline.

Labcorp Genetics (formerly Invitae), Labcorp
Classification: Uncertain significance. Last evaluated: 2025-07-20. Review status: criteria provided, single submitter. Criteria: Invitae Variant Classification Sherloc (09022015). Collection method: clinical testing. Allele origin: germline.
Comment: This sequence change replaces isoleucine, which is neutral and non-polar, with valine, which is neutral and non-polar, at codon 56 of the ABCA3 protein (p.Ile56Val). This variant is present in population databases (rs774682550, gnomAD 0.0009%). This variant has not been reported in the literature in individuals affected with ABCA3-related conditions. An algorithm developed to predict the effect of missense changes on protein structure and function outputs the following: PolyPhen-2: "Benign". The valine amino acid residue is found in multiple mammalian species, which suggests that this missense change does not adversely affect protein function. In summary, the available evidence is currently insufficient to determine the role of this variant in disease. Therefore, it has been classified as a Variant of Uncertain Significance.